The following is an entry in ClinVar:

NM_138694.4(PKHD1):c.11403C>A (p.Cys3801Ter)

Gene: PKHD1 (PKHD1 ciliary IPT domain containing fibrocystin/polyductin; minus strand). Cytogenetic location: 6p12.3.
Variant type: single nucleotide variant.
Coding change: c.11403C>A on transcript NM_138694.4 (MANE Select); coding-DNA position 11403, C replaced by A.
Protein change: p.Cys3801Ter; replaces cysteine 3801 with a stop codon.
Molecular consequence: nonsense.
Genome position (GRCh38, 1-based): chr6:51,638,952, G>T on the plus strand (C>A on the coding strand, the complement: PKHD1 is on the minus strand). VCF-style: chr6-51638952-G-T. GRCh37 (hg19) VCF-style: chr6-51503750-G-T.
Other names: short protein forms C3801*.
Identifiers: ClinVar variation 1072350 (VCV001072350.10), dbSNP rs1215290114, ClinGen allele CA364422037.

ClinVar aggregate classification (germline): Pathogenic/Likely pathogenic. Review status: criteria provided, multiple submitters, no conflicts (2 of 4 stars). 4 submissions from 4 submitters: Pathogenic (1); Likely pathogenic (3). Last evaluated 2024-01-04.

Conditions:
Polycystic kidney disease 4 (PKD4). Also called: POLYCYSTIC KIDNEY AND HEPATIC DISEASE 1; POLYCYSTIC KIDNEY DISEASE, INFANTILE, TYPE I; POLYCYSTIC KIDNEY DISEASE 4 WITH OR WITHOUT POLYCYSTIC LIVER DISEASE; Autosomal Recessive Polycystic Kidney Disease – PKHD1; PKD3. Identifiers: MedGen C4540575, MONDO:0033004, OMIM 263200.
PKHD1-related disorder. Also called: PKHD1-related condition.
Autosomal recessive polycystic kidney disease (ARPKD). Also called: AR polycystic kidney disease. Identifiers: Orphanet 731, Orphanet 8378, MedGen C0085548, MeSH D017044, MONDO:0009889.

Submissions (4):

Fulgent Genetics
Classification: Likely pathogenic for Polycystic kidney disease 4. Last evaluated: 2024-01-04. Review status: criteria provided, single submitter. Criteria: ACMG Guidelines, 2015. Collection method: clinical testing. Allele origin: germline.

Blueprint Genetics
Classification: Likely pathogenic for PKHD1-related disorders. Last evaluated: 2024-01-03. Review status: criteria provided, single submitter. Criteria: ACMG Guidelines, 2015. Collection method: clinical testing. Allele origin: germline. Affected: yes. Observed: 1 variant allele.

Baylor Genetics
Classification: Likely pathogenic for Polycystic kidney disease 4. Last evaluated: 2022-07-12. Review status: criteria provided, single submitter. Criteria: ACMG Guidelines, 2015. Collection method: clinical testing. Allele origin: unknown.

Labcorp Genetics (formerly Invitae), Labcorp
Classification: Pathogenic for Autosomal recessive polycystic kidney disease. Last evaluated: 2020-08-14. Review status: criteria provided, single submitter. Criteria: Invitae Variant Classification Sherloc (09022015). Collection method: clinical testing. Allele origin: germline.
Comment: For these reasons, this variant has been classified as Pathogenic. Loss-of-function variants in PKHD1 are known to be pathogenic (PMID: 19940839). This variant has not been reported in the literature in individuals with PKHD1-related conditions. This variant is not present in population databases (ExAC no frequency). This sequence change creates a premature translational stop signal (p.Cys3801*) in the PKHD1 gene. It is expected to result in an absent or disrupted protein product.

Literature cited by the submitters: PubMed 19940839 (cited by Labcorp Genetics (formerly Invitae), Labcorp).